The following is an entry in ClinVar:

NM_001366385.1(CARD14):c.2219+13_2219+14delinsTG

Genes: SGSH (N-sulfoglucosamine sulfohydrolase; minus strand), CARD14 (caspase recruitment domain family member 14; plus strand). Cytogenetic location: 17q25.3.
Variant type: Indel.
Coding change: c.2219+13_2219+14delinsTG on transcript NM_001366385.1 (MANE Select); bases 13 to 14 of the intron after coding-DNA position 2219, CT replaced by TG.
Molecular consequence: intron variant. On other transcripts: 3 prime UTR variant (1).
Genome position (GRCh38, 1-based): chr17:80,202,433-80,202,434, CT replaced by TG. VCF-style: chr17-80202433-CT-TG. GRCh37 (hg19) VCF-style: chr17-78176232-CT-TG.
Other names: c.*9_*10delinsTG (NM_001257970.1); c.2219+13_2219+14delinsTG (NM_024110.4).
Identifiers: ClinVar variation 4789866 (VCV004789866.1).

ClinVar aggregate classification (germline): Uncertain significance (1 of 4 stars; one submission).

Conditions:
Pityriasis rubra pilaris (PRP). Also called: Pityriasis rubra pilaris--familial type. Identifiers: Orphanet 2897, MedGen C0032027, MONDO:0100017, OMIM 173200, MONDO:0008251.
Psoriasis 2. Identifiers: MedGen C1864497, MONDO:0011269, OMIM 602723.

Submission:

Labcorp Genetics (formerly Invitae), Labcorp
Classification: Uncertain significance for Pityriasis rubra pilaris; Psoriasis 2. Last evaluated: 2025-10-05. Review status: criteria provided, single submitter. Criteria: Invitae Variant Classification Sherloc (09022015). Collection method: clinical testing. Allele origin: germline.
Comment: This sequence change falls in intron 15 of the CARD14 gene. It does not directly change the encoded amino acid sequence of the CARD14 protein. Information on the frequency of this variant in the gnomAD database is not available, as this variant may be reported differently in the database. This variant has not been reported in the literature in individuals affected with CARD14-related conditions. Experimental studies and prediction algorithms are not available or were not evaluated, and the effect of this variant on mRNA splicing is currently unknown. In summary, the available evidence is currently insufficient to determine the role of this variant in disease. Therefore, it has been classified as a Variant of Uncertain Significance.